The following is an entry in ClinVar:

ClinVar aggregate classification (germline): Uncertain significance (1 of 4 stars; one submission).

Conditions:
Beckwith-Wiedemann syndrome (BWS). Also called: EMG SYNDROME; Exomphalos macroglossia gigantism syndrome. Identifiers: Orphanet 116, MedGen C0004903, MONDO:0007534, OMIM 130650.

Submission:

Labcorp Genetics (formerly Invitae), Labcorp
Classification: Uncertain significance for Beckwith-Wiedemann syndrome. Last evaluated: 2022-03-09. Review status: criteria provided, single submitter. Criteria: Invitae Variant Classification Sherloc (09022015). Collection method: clinical testing. Allele origin: germline.
Comment: In summary, the available evidence is currently insufficient to determine the role of this variant in disease. Therefore, it has been classified as a Variant of Uncertain Significance. Algorithms developed to predict the effect of missense changes on protein structure and function are either unavailable or do not agree on the potential impact of this missense change (SIFT: "Deleterious"; PolyPhen-2: "Possibly Damaging"; Align-GVGD: "Class C0"). This variant has not been reported in the literature in individuals affected with CDKN1C-related conditions. This variant is not present in population databases (gnomAD no frequency). This sequence change replaces phenylalanine, which is neutral and non-polar, with leucine, which is neutral and non-polar, at codon 90 of the CDKN1C protein (p.Phe90Leu).

NM_001122630.2(CDKN1C):c.237C>G (p.Phe79Leu)

Gene: CDKN1C (cyclin dependent kinase inhibitor 1C; minus strand). Cytogenetic location: 11p15.4.
Variant type: single nucleotide variant.
Coding change: c.237C>G on transcript NM_001122630.2 (MANE Select); coding-DNA position 237, C replaced by G.
Protein change: p.Phe79Leu; replaces phenylalanine 79 with leucine.
Molecular consequence: missense variant.
Genome position (GRCh38, 1-based): chr11:2,885,220, G>C on the plus strand (C>G on the coding strand, the complement: CDKN1C is on the minus strand). VCF-style: chr11-2885220-G-C. GRCh37 (hg19) VCF-style: chr11-2906450-G-C.
Other names: c.270C>G, p.Phe90Leu (NM_000076.2, NM_001362474.2); c.237C>G, p.Phe79Leu (NM_001122631.2, NM_001362475.2); short protein forms F90L, F79L.
Identifiers: ClinVar variation 2107994 (VCV002107994.4), dbSNP rs2133785564, ClinGen allele CA379147139.